The following is an entry in ClinVar:

NM_021942.6(TRAPPC11):c.2330A>C (p.Gln777Pro)

Genes: TRAPPC11 (trafficking protein particle complex subunit 11; plus strand), LOC126807238 (BRD4-independent group 4 enhancer GRCh37_chr4:184614366-184615565; plus strand). Cytogenetic location: 4q35.1.
Variant type: single nucleotide variant.
Coding change: c.2330A>C on transcript NM_021942.6 (MANE Select); coding-DNA position 2330, A replaced by C.
Protein change: p.Gln777Pro; replaces glutamine 777 with proline.
Molecular consequence: missense variant.
Genome position (GRCh38, 1-based): chr4:183,693,681, A>C. VCF-style: chr4-183693681-A-C. GRCh37 (hg19) VCF-style: chr4-184614834-A-C.
Other names: c.2330A>C, p.Gln777Pro (NM_199053.3); short protein forms Q777P.
Identifiers: ClinVar variation 1698543 (VCV001698543.4), dbSNP rs758105113, ClinGen allele CA3152159.

ClinVar aggregate classification (germline): Uncertain significance. Review status: criteria provided, multiple submitters, no conflicts (2 of 4 stars). 3 submissions from 3 submitters: Uncertain significance (3). Last evaluated 2026-08-06.

Conditions:
Other rare neuromuscular disorders.

Allele frequency attached by ClinVar (database versions not stated): ExAC 0.00001; gnomAD exomes 0.00001 and 0.00003; TOPMed 0.00002; gnomAD 0.00003 and 0.00004.

Submissions (3):

NHS Central & South Genomic Laboratory Hub
Classification: Uncertain significance for Other rare neuromuscular disorders. Last evaluated: 2026-08-06. Review status: criteria provided, single submitter. Criteria: ACMG Guidelines, 2015. Collection method: clinical testing. Allele origin: germline. Affected: yes.

Women's Health and Genetics/Laboratory Corporation of America, LabCorp
Classification: Uncertain significance. Last evaluated: 2025-12-03. Review status: criteria provided, single submitter. Criteria: LabCorp Variant Classification Summary - May 2015. Collection method: clinical testing. Allele origin: germline.
Comment: Variant summary: TRAPPC11 c.2330A>C (p.Gln777Pro) results in a non-conservative amino acid change in the encoded protein sequence. Algorithms developed to predict the effect of missense changes on protein structure and function are either unavailable or do not agree on the potential impact of this missense change. The variant allele was found at a frequency of 1.2e-05 in 251308 control chromosomes. c.2330A>C has been observed in two compound heterozygous siblings affected with Autosomal Recessive Limb-Girdle Muscular Dystrophy (Fee_2017). These data indicate that the variant may be associated with disease. To our knowledge, no experimental evidence demonstrating an impact on protein function has been reported. The following publication has been ascertained in the context of this evaluation (PMID: 28827486). ClinVar contains an entry for this variant (Variation ID: 1698543). Based on the evidence outlined above, the variant was classified as VUS-possibly pathogenic.

GeneDx
Classification: Uncertain significance. Last evaluated: 2023-06-28. Review status: criteria provided, single submitter. Criteria: GeneDx Variant Classification Process June 2021. Collection method: clinical testing. Allele origin: germline. Affected: yes.
Comment: Reported in two siblings with clinical features of limb-girdle muscular dystrophy type 2S in the published literature (Fee et al., 2017); Not observed at significant frequency in large population cohorts (gnomAD); In silico analysis supports that this missense variant does not alter protein structure/function; In silico analysis suggests this variant may impact gene splicing. In the absence of RNA/functional studies, the actual effect of this sequence change is unknown.; This variant is associated with the following publications: (PMID: 34229011, 30152084, 28827486)

Literature cited by the submitters: PubMed 28827486 (cited by Women's Health and Genetics/Laboratory Corporation of America, LabCorp).